The following is an entry in ClinVar:

NM_024422.6(DSC2):c.2392C>T (p.Arg798Trp)

Gene: DSC2 (desmocollin 2; minus strand). Cytogenetic location: 18q12.1.
Variant type: single nucleotide variant.
Coding change: c.2392C>T on transcript NM_024422.6 (MANE Select); coding-DNA position 2392, C replaced by T.
Protein change: p.Arg798Trp; replaces arginine 798 with tryptophan.
Molecular consequence: missense variant.
Genome position (GRCh38, 1-based): chr18:31,069,010, G>A on the plus strand (C>T on the coding strand, the complement: DSC2 is on the minus strand). VCF-style: chr18-31069010-G-A. GRCh37 (hg19) VCF-style: chr18-28648976-G-A.
Other names: c.2392C>T, p.Arg798Trp (NM_004949.5); short protein forms R798W.
Identifiers: ClinVar variation 630584 (VCV000630584.17), dbSNP rs201548399, ClinGen allele CA036549.

ClinVar aggregate classification (germline): Uncertain significance. Review status: criteria provided, multiple submitters, no conflicts (2 of 4 stars). 6 submissions from 6 submitters: Uncertain significance (6). Last evaluated 2024-11-01.

Conditions:
Cardiovascular phenotype. Identifiers: MedGen CN230736.
Familial isolated arrhythmogenic right ventricular dysplasia. Identifiers: Orphanet 217656, MedGen C4274968, MONDO:0016342.
Cardiomyopathy (CMYO). Also called: Cardiomyopathies. Identifiers: Orphanet 167848, MedGen C0878544, MONDO:0004994, HP:0001638. Inheritance: Various modes of inheritance.
Arrhythmogenic right ventricular dysplasia 11. Also called: Arrhythmogenic Right Ventricular Dysplasia/Cardiomyopathy11; ARRHYTHMOGENIC RIGHT VENTRICULAR DYSPLASIA, FAMILIAL, 11; Arrhythmogenic right ventricular dysplasia 11 with mild palmoplantar keratoderma and woolly hair. Identifiers: MedGen C1864850, MONDO:0012506, OMIM 610476.

Allele frequency attached by ClinVar (database versions not stated): ExAC 0.00001; gnomAD 0.00002; TOPMed 0.00003.
gnomAD v4.1: 47 of 1,613,856 alleles (0.0029%); highest among the groups gnomAD compares: Admixed American, 0.005%; no homozygotes.

Submissions (6):

Ambry Genetics
Classification: Uncertain significance for Cardiovascular phenotype. Last evaluated: 2024-11-01. Review status: criteria provided, single submitter. Criteria: Ambry Variant Classification Scheme 2023. Collection method: clinical testing. Allele origin: germline.
Comment: The p.R798W variant (also known as c.2392C>T), located in coding exon 15 of the DSC2 gene, results from a C to T substitution at nucleotide position 2392. The arginine at codon 798 is replaced by tryptophan, an amino acid with dissimilar properties. This amino acid position is conserved. In addition, the in silico prediction for this alteration is inconclusive. Since supporting evidence is limited at this time, the clinical significance of this alteration remains unclear.

All of Us Research Program, National Institutes of Health
Classification: Uncertain significance for Familial isolated arrhythmogenic right ventricular dysplasia. Last evaluated: 2024-09-23. Review status: criteria provided, single submitter. Criteria: ACMG Guidelines, 2015. Collection method: clinical testing. Allele origin: germline. Inheritance: Autosomal dominant inheritance. Observed: 8 variant alleles, 8 heterozygotes.
Comment: This missense variant replaces arginine with tryptophan at codon 798 of the DSC2 protein. Computational prediction suggests that this variant may not impact protein structure and function (internally defined REVEL score threshold <= 0.5, PMID: 27666373). To our knowledge, functional studies have not been reported for this variant. This variant has not been reported in individuals affected with cardiovascular disorders in the literature. This variant has been identified in 7/251166 chromosomes in the general population by the Genome Aggregation Database (gnomAD). The available evidence is insufficient to determine the role of this variant in disease conclusively. Therefore, this variant is classified as a Variant of Uncertain Significance.

This study involves interpretation of variants in research participants for the purpose of population health screening. Participant phenotype was not available at the time of variant classification. Additional details can be found in publication PMID: 35346344, PMCID: PMC8962531

Color Diagnostics, LLC DBA Color Health
Classification: Uncertain significance for Cardiomyopathy. Last evaluated: 2024-03-06. Review status: criteria provided, single submitter. Criteria: ACMG Guidelines, 2015. Collection method: clinical testing. Allele origin: germline.
Comment: This missense variant replaces arginine with tryptophan at codon 798 of the DSC2 protein. Computational prediction suggests that this variant may not impact protein structure and function (internally defined REVEL score threshold <= 0.5, PMID: 27666373). To our knowledge, functional studies have not been reported for this variant. This variant has not been reported in individuals affected with cardiovascular disorders in the literature. This variant has been identified in 7/251166 chromosomes in the general population by the Genome Aggregation Database (gnomAD). The available evidence is insufficient to determine the role of this variant in disease conclusively. Therefore, this variant is classified as a Variant of Uncertain Significance.

Blueprint Genetics
Classification: Uncertain significance. Last evaluated: 2023-09-20. Review status: criteria provided, single submitter. Criteria: ACMG Guidelines, 2015. Collection method: clinical testing. Allele origin: germline.

Labcorp Genetics (formerly Invitae), Labcorp
Classification: Uncertain significance for Arrhythmogenic right ventricular dysplasia 11. Last evaluated: 2023-07-07. Review status: criteria provided, single submitter. Criteria: Invitae Variant Classification Sherloc (09022015). Collection method: clinical testing. Allele origin: germline.
Comment: In summary, the available evidence is currently insufficient to determine the role of this variant in disease. Therefore, it has been classified as a Variant of Uncertain Significance. Advanced modeling of protein sequence and biophysical properties (such as structural, functional, and spatial information, amino acid conservation, physicochemical variation, residue mobility, and thermodynamic stability) performed at Invitae indicates that this missense variant is not expected to disrupt DSC2 protein function. ClinVar contains an entry for this variant (Variation ID: 630584). This variant has not been reported in the literature in individuals affected with DSC2-related conditions. This variant is present in population databases (rs201548399, gnomAD 0.006%). This sequence change replaces arginine, which is basic and polar, with tryptophan, which is neutral and slightly polar, at codon 798 of the DSC2 protein (p.Arg798Trp).

Fulgent Genetics
Classification: Uncertain significance for Arrhythmogenic right ventricular dysplasia 11. Last evaluated: 2021-10-07. Review status: criteria provided, single submitter. Criteria: ACMG Guidelines, 2015. Collection method: clinical testing. Allele origin: unknown.